The following is an entry in ClinVar:

NM_033026.6(PCLO):c.15248C>A (p.Thr5083Asn)

Gene: PCLO (piccolo presynaptic cytomatrix protein; minus strand). Cytogenetic location: 7q21.11.
Variant type: single nucleotide variant.
Coding change: c.15248C>A on transcript NM_033026.6 (MANE Select); coding-DNA position 15248, C replaced by A.
Protein change: p.Thr5083Asn; replaces threonine 5083 with asparagine.
Molecular consequence: missense variant.
Genome position (GRCh38, 1-based): chr7:82,760,679, G>T on the plus strand (C>A on the coding strand, the complement: PCLO is on the minus strand). VCF-style: chr7-82760679-G-T. GRCh37 (hg19) VCF-style: chr7-82389995-G-T.
Other names: c.15248C>A (NM_033026.5); short protein forms T5083N.
Identifiers: ClinVar variation 1897403 (VCV001897403.3), dbSNP rs531524128, ClinGen allele CA4318582.

ClinVar aggregate classification (germline): Uncertain significance. Review status: criteria provided, multiple submitters, no conflicts (2 of 4 stars). 2 submissions from 2 submitters: Uncertain significance (2). Last evaluated 2024-05-14.

Conditions:
Inborn genetic diseases. Identifiers: MedGen C0950123, MeSH D030342.

Allele frequency attached by ClinVar (database versions not stated): gnomAD 0.00001; gnomAD exomes 0.00005; ExAC 0.00011; 1000 Genomes Project 30x 0.00016; 1000 Genomes Project 0.00020.

Submissions (2):

Ambry Genetics
Classification: Uncertain significance for Inborn genetic diseases. Last evaluated: 2024-05-14. Review status: criteria provided, single submitter. Criteria: Ambry Variant Classification Scheme 2023. Collection method: clinical testing. Allele origin: germline.

Labcorp Genetics (formerly Invitae), Labcorp
Classification: Uncertain significance. Last evaluated: 2022-08-19. Review status: criteria provided, single submitter. Criteria: Invitae Variant Classification Sherloc (09022015). Collection method: clinical testing. Allele origin: germline.
Comment: This sequence change replaces threonine, which is neutral and polar, with asparagine, which is neutral and polar, at codon 5083 of the PCLO protein (p.Thr5083Asn). This variant is present in population databases (rs531524128, gnomAD 0.05%). This variant has not been reported in the literature in individuals affected with PCLO-related conditions. Algorithms developed to predict the effect of missense changes on protein structure and function are either unavailable or do not agree on the potential impact of this missense change (SIFT: "Deleterious"; PolyPhen-2: "Not Available"; Align-GVGD: "Class C0"). In summary, the available evidence is currently insufficient to determine the role of this variant in disease. Therefore, it has been classified as a Variant of Uncertain Significance.